The following is an entry in ClinVar:

NM_017780.4(CHD7):c.2900A>T (p.Lys967Ile)

Gene: CHD7 (chromodomain helicase DNA binding protein 7; plus strand). Cytogenetic location: 8q12.2.
Variant type: single nucleotide variant.
Coding change: c.2900A>T on transcript NM_017780.4 (MANE Select); coding-DNA position 2900, A replaced by T.
Protein change: p.Lys967Ile; replaces lysine 967 with isoleucine.
Molecular consequence: missense variant. On other transcripts: intron variant (1).
Genome position (GRCh38, 1-based): chr8:60,822,088, A>T. VCF-style: chr8-60822088-A-T. GRCh37 (hg19) VCF-style: chr8-61734647-A-T.
Other names: c.1717-40141A>T (NM_001316690.1); short protein forms K967I.
Identifiers: ClinVar variation 1314967 (VCV001314967.8), dbSNP rs1345463010, ClinGen allele CA371308446.

ClinVar aggregate classification (germline): Conflicting classifications of pathogenicity. Review status: criteria provided, conflicting classifications (1 of 4 stars). 3 submissions from 3 submitters: Uncertain significance (2); Likely benign (1). Last evaluated 2025-12-24.

Conditions:
CHARGE syndrome (CHARGE). Also called: Hittner Hirsch Kreh syndrome; CHARGE ASSOCIATION--COLOBOMA, HEART ANOMALY, CHOANAL ATRESIA, RETARDATION, GENITAL AND EAR ANOMALIES; Coloboma, heart anomaly, choanal atresia, retardation, genital and ear anomalies; CHARGE association; Hall-Hittner syndrome. Identifiers: Orphanet 138, MedGen C0265354, MONDO:0008965.

Allele frequency attached by ClinVar (database versions not stated): gnomAD exomes below 0.00001 and 0.00001; gnomAD 0.00001.
gnomAD v4.1: 3 of 1,613,668 alleles (0.00019%); highest among the groups gnomAD compares: Admixed American, 0.0033%; no homozygotes.

Submissions (3):

Labcorp Genetics (formerly Invitae), Labcorp
Classification: Likely benign for CHARGE syndrome. Last evaluated: 2025-12-24. Review status: criteria provided, single submitter. Criteria: Invitae Variant Classification Sherloc (09022015). Collection method: clinical testing. Allele origin: germline.

GeneDx
Classification: Uncertain significance. Last evaluated: 2023-09-28. Review status: criteria provided, single submitter. Criteria: GeneDx Variant Classification Process June 2021. Collection method: clinical testing. Allele origin: germline. Affected: yes.
Comment: Not observed at significant frequency in large population cohorts (gnomAD); In silico analysis supports that this missense variant has a deleterious effect on protein structure/function; Has not been previously published as pathogenic or benign to our knowledge

MGZ Medical Genetics Center
Classification: Uncertain significance for CHD7-related CHARGE syndrome. Last evaluated: 2022-03-09. Review status: criteria provided, single submitter. Criteria: ACMG Guidelines, 2015. Collection method: clinical testing. Allele origin: germline. Affected: yes. Observed: 1 variant allele.
Comment: ACMG criteria applied: PM2_SUP, PP2, PP3